The following is an entry in ClinVar:

NM_172250.3(MMAA):c.1098G>A (p.Trp366Ter)

Gene: MMAA (metabolism of cobalamin associated A; plus strand). Cytogenetic location: 4q31.21.
Variant type: single nucleotide variant.
Coding change: c.1098G>A on transcript NM_172250.3 (MANE Select); coding-DNA position 1098, G replaced by A.
Protein change: p.Trp366Ter; replaces tryptophan 366 with a stop codon.
Molecular consequence: nonsense.
Genome position (GRCh38, 1-based): chr4:145,655,275, G>A. VCF-style: chr4-145655275-G-A. GRCh37 (hg19) VCF-style: chr4-146576427-G-A.
Other names: c.1098G>A, p.Trp366Ter (NM_001375644.1); short protein forms W366*.
Identifiers: ClinVar variation 2676605 (VCV002676605.4), dbSNP rs2546345912, ClinGen allele CA358345894.

ClinVar aggregate classification (germline): Pathogenic/Likely pathogenic. Review status: criteria provided, multiple submitters, no conflicts (2 of 4 stars). 2 submissions from 2 submitters: Pathogenic (1); Likely pathogenic (1). Last evaluated 2023-08-28.

Conditions:
Methylmalonic aciduria, cblA type (MACA). Also called: Methylmalonic aciduria, vitamin B12-responsive; Methylmalonic aciduria, vitamin b12-responsive, due to defect in synthesis of adenosylcobalamin, cbla complementation type; MMA cbl A type; Methylmalonic acidemia cblA type; Vitamin B12-responsive methylmalonic acidemia type cblA. Identifiers: Orphanet 28, Orphanet 79310, MedGen C1855109, MONDO:0009613, OMIM 251100.

Submissions (2):

Labcorp Genetics (formerly Invitae), Labcorp
Classification: Pathogenic for Methylmalonic aciduria, cblA type. Last evaluated: 2023-08-28. Review status: criteria provided, single submitter. Criteria: Invitae Variant Classification Sherloc (09022015). Collection method: clinical testing. Allele origin: germline.
Comment: This variant disrupts a region of the MMAA protein in which other variant(s) (p.His382Profs*24) have been determined to be pathogenic (PMID: 33453710; Invitae). This suggests that this is a clinically significant region of the protein, and that variants that disrupt it are likely to be disease-causing. For these reasons, this variant has been classified as Pathogenic. This sequence change creates a premature translational stop signal (p.Trp366*) in the MMAA gene. While this is not anticipated to result in nonsense mediated decay, it is expected to disrupt the last 53 amino acid(s) of the MMAA protein. This variant is not present in population databases (gnomAD no frequency). This premature translational stop signal has been observed in individual(s) with methylmalonic aciduria cobalamin A type (PMID: 32754920). In at least one individual the data is consistent with being in trans (on the opposite chromosome) from a pathogenic variant.

Baylor Genetics
Classification: Likely pathogenic for Methylmalonic aciduria, cblA type. Last evaluated: 2023-04-27. Review status: criteria provided, single submitter. Criteria: ACMG Guidelines, 2015. Collection method: clinical testing. Allele origin: unknown.

Literature cited by the submitters: PubMed 33453710 (cited by Labcorp Genetics (formerly Invitae), Labcorp); PubMed 32754920 (cited by Labcorp Genetics (formerly Invitae), Labcorp).